The following is an entry in ClinVar:

NM_000218.3(KCNQ1):c.1196C>T (p.Ala399Val)

Gene: KCNQ1 (potassium voltage-gated channel subfamily Q member 1; plus strand). Cytogenetic location: 11p15.5.
Variant type: single nucleotide variant.
Coding change: c.1196C>T on transcript NM_000218.3 (MANE Select); coding-DNA position 1196, C replaced by T.
Protein change: p.Ala399Val; replaces alanine 399 with valine.
Molecular consequence: missense variant.
Genome position (GRCh38, 1-based): chr11:2,587,637, C>T. VCF-style: chr11-2587637-C-T. GRCh37 (hg19) VCF-style: chr11-2608867-C-T.
Other names: c.1100C>T, p.Ala367Val (NM_001406836.1); c.926C>T, p.Ala309Val (NM_001406837.1); c.656C>T, p.Ala219Val (NM_001406838.1); c.815C>T, p.Ala272Val (NM_181798.2); short protein forms A272V, A399V, A219V, A309V, A367V.
Identifiers: ClinVar variation 918468 (VCV000918468.22), dbSNP rs876657836, ClinGen allele CA379134773.

ClinVar aggregate classification (germline): Conflicting classifications of pathogenicity. Review status: criteria provided, conflicting classifications (1 of 4 stars). 5 submissions from 5 submitters: Uncertain significance (4); Likely benign (1). Last evaluated 2026-08-29.

Conditions:
Cardiovascular phenotype. Identifiers: MedGen CN230736.
Long QT syndrome (LQTS). Identifiers: MedGen C0023976, MeSH D008133, MONDO:0002442. Disease mechanism: loss of function. Inheritance: Various modes of inheritance.
Cardiac arrhythmia. Also called: Arrhythmia; Cardiac rhythm disease. Identifiers: MedGen C0003811, MONDO:0007263, HP:0011675.

Allele frequency attached by ClinVar (database versions not stated): TOPMed 0.00008.
gnomAD v4.1: 33 of 1,613,752 alleles (0.002%); highest among the groups gnomAD compares: Admixed American, 0.042%; no homozygotes.

Submissions (5):

Ambry Genetics
Classification: Likely benign for Cardiovascular phenotype. Last evaluated: 2026-08-29. Review status: criteria provided, single submitter. Criteria: Ambry Variant Classification Scheme 2023. Collection method: clinical testing. Allele origin: germline.

Labcorp Genetics (formerly Invitae), Labcorp
Classification: Uncertain significance for Long QT syndrome. Last evaluated: 2026-01-08. Review status: criteria provided, single submitter. Criteria: Invitae Variant Classification Sherloc (09022015). Collection method: clinical testing. Allele origin: germline.
Comment: This sequence change replaces alanine, which is neutral and non-polar, with valine, which is neutral and non-polar, at codon 399 of the KCNQ1 protein (p.Ala399Val). This variant is present in population databases (no rsID available, gnomAD 0.02%). This variant has not been reported in the literature in individuals affected with KCNQ1-related conditions. ClinVar contains an entry for this variant (Variation ID: 918468). Invitae Evidence Modeling of protein sequence and biophysical properties (such as structural, functional, and spatial information, amino acid conservation, physicochemical variation, residue mobility, and thermodynamic stability) indicates that this missense variant is not expected to disrupt KCNQ1 protein function with a negative predictive value of 95%. In summary, the available evidence is currently insufficient to determine the role of this variant in disease. Therefore, it has been classified as a Variant of Uncertain Significance.

Color Diagnostics, LLC DBA Color Health
Classification: Uncertain significance for Cardiac arrhythmia. Last evaluated: 2025-12-11. Review status: criteria provided, single submitter. Criteria: ACMG Guidelines, 2015. Collection method: clinical testing. Allele origin: germline.
Comment: This missense variant replaces alanine with valine at codon 399 of the KCNQ1 protein. Computational prediction is inconclusive regarding the impact of this variant on protein structure and function. To our knowledge, functional studies have not been reported for this variant. This variant has not been reported in individuals affected with KCNQ1-related disorders in the literature. This variant has been identified in 33/1613752 chromosomes in the general population by the Genome Aggregation Database (gnomAD). The available evidence is insufficient to determine the role of this variant in disease conclusively. Therefore, this variant is classified as a Variant of Uncertain Significance.

GeneDx
Classification: Uncertain significance. Last evaluated: 2025-08-18. Review status: criteria provided, single submitter. Criteria: GeneDx Variant Classification Process June 2021. Collection method: clinical testing. Allele origin: germline. Affected: yes.
Comment: Has not been previously published as pathogenic or benign to our knowledge; In silico analysis suggests that this missense variant does not alter protein structure/function

All of Us Research Program, National Institutes of Health
Classification: Uncertain significance for Long QT syndrome. Last evaluated: 2024-05-30. Review status: criteria provided, single submitter. Criteria: ACMG Guidelines, 2015. Collection method: clinical testing. Allele origin: germline. Inheritance: Autosomal dominant inheritance. Observed: 10 variant alleles, 10 heterozygotes.
Comment: This missense variant replaces alanine with valine at codon 399 of the KCNQ1 protein. Computational prediction is inconclusive regarding the impact of this variant on protein structure and function (internally defined REVEL score threshold 0.5 < inconclusive < 0.7, PMID: 27666373). To our knowledge, functional studies have not been reported for this variant. This variant has not been reported in individuals affected with cardiovascular disorders in the literature. This variant has been identified in 10/251214 chromosomes in the general population by the Genome Aggregation Database (gnomAD). The available evidence is insufficient to determine the role of this variant in disease conclusively. Therefore, this variant is classified as a Variant of Uncertain Significance.

This study involves interpretation of variants in research participants for the purpose of population health screening. Participant phenotype was not available at the time of variant classification. Additional details can be found in publication PMID: 35346344, PMCID: PMC8962531